The following is an entry in ClinVar:

ClinVar aggregate classification (germline): Pathogenic (1 of 4 stars; one submission).

Conditions:
Propionic acidemia (PROP). Also called: GLYCINEMIA, KETOTIC; HYPERGLYCINEMIA WITH KETOACIDOSIS AND LEUKOPENIA; KETOTIC HYPERGLYCINEMIA. Identifiers: Orphanet 35, MedGen C0268579, MONDO:0011628, OMIM 606054, HP:0003571.

Submission:

Labcorp Genetics (formerly Invitae), Labcorp
Classification: Pathogenic for Propionic acidemia. Last evaluated: 2022-09-12. Review status: criteria provided, single submitter. Criteria: Invitae Variant Classification Sherloc (09022015). Collection method: clinical testing. Allele origin: germline.
Comment: This sequence change creates a premature translational stop signal (p.Ala4Hisfs*61) in the PCCB gene. It is expected to result in an absent or disrupted protein product. Loss-of-function variants in PCCB are known to be pathogenic (PMID: 15464417). This variant is not present in population databases (gnomAD no frequency). This variant has not been reported in the literature in individuals affected with PCCB-related conditions. For these reasons, this variant has been classified as Pathogenic.

Literature cited by the submitters: PubMed 15464417.

NM_000532.5(PCCB):c.10del (p.Ala4fs)

Gene: PCCB (propionyl-CoA carboxylase subunit beta; plus strand). Cytogenetic location: 3q22.3.
Variant type: Deletion.
Coding change: c.10del on transcript NM_000532.5 (MANE Select); coding-DNA position 10, one base deleted (G; older notation c.10delG).
Protein change: p.Ala4fs; shifts the reading frame from alanine 4.
Molecular consequence: frameshift variant.
Genome position (GRCh38, 1-based): chr3:136,250,385, G deleted; the last of 2 consecutive G bases (chr3:136,250,384-136,250,385); deleting either gives the same sequence. VCF-style (leftmost placement, unchanged base first): chr3-136250383-CG-C. GRCh37 (hg19) VCF-style: chr3-135969225-CG-C.
Other names: c.10del, p.Ala4fs (NM_001178014.2); short protein forms A4fs.
Identifiers: ClinVar variation 2123798 (VCV002123798.4), dbSNP rs2529731119, ClinGen allele CA2580068808.